The following is an entry in ClinVar:

GRCh37/hg19 3p26.3-26.1(chr3:60001-8472742)x1

Genes: SETMAR (SET domain and mariner transposase fusion gene; plus strand), ARL8B (ARF like GTPase 8B; plus strand), BHLHE40 (basic helix-loop-helix family member e40; plus strand), CHL1 (cell adhesion molecule L1 like; plus strand), CNTN4 (contactin 4; plus strand) and 10 more. Cytogenetic location: 3p26.3-26.1.
Variant type: copy number loss.
Change: copy number 1 (one copy instead of two) of chr3:60,001-8,472,742 (8.41 Mb, GRCh37 coordinates, 1-based), cytogenetic band 3p26.3-26.1.
Identifiers: ClinVar variation 1180543 (VCV001180543.4).

ClinVar aggregate classification (germline): Pathogenic (1 of 4 stars; one submission).

Submission:

Illumina Laboratory Services, Illumina
Classification: Pathogenic. Last evaluated: 2020-04-24. Review status: criteria provided, single submitter. Criteria: ICSL CNVClassificationCriteria Jul2020Prior. Collection method: clinical testing. Allele origin: unknown.
Comment: This CNV is an 8.4 Mb deletion of 3p26.3-26.1, on chromosome 3, (seq[GRCh37]del(3)( p26.3p26.1);chr3:g.60001_8472742del), which is inherited. The CNV constitutes a loss encompassing 30 genes and overlaps the well-described 3p deletion syndrome region. Individuals described in the literature with characteristic features of 3p deletion syndrome typically have larger terminal deletions of 3p and include genes in 3p25.3 (Malmgren et al. 2007; Shuib et al. 2009; Kuechler et al. 2015). Several individuals have been described with deletions encompassed by this CNV, including two probands that have features typical of 3p deletion syndrome (Fernandez et al. 2008; Pohjola et al. 2010) and several individuals with very mild abnormalities or no clinical features (Takagishi et al. 2006; Shuib et al. 2009). There are several individuals with de novo 3p26.1-pter deletions in the DECIPHER database that have clinical features of 3p deletion syndrome, including dysmorphic facial features, clinodactyly, intellectual disability, hypotonia, microcephaly, short stature, and telecanthus (Firth et al. 2009). This CNV is absent in controls. Overlapping CNVs can be inherited from a mildly affected or asymptomatic parent, and there is wide variability in clinical features, even within families (Takagishi et al. 2006; Pohjola et al. 2010; Cuoco et al. 2011). Based on the collective evidence, this CNV is classified as pathogenic.

Literature cited by the submitters: PubMed 16770804; PubMed 17696125; PubMed 18837054; PubMed 19344873; PubMed 19760623; PubMed 20101686; PubMed 21457564; PubMed 25138099.